The following is an entry in ClinVar:

ClinVar aggregate classification (germline): Uncertain significance (1 of 4 stars; one submission).

Submission:

GeneDx
Classification: Uncertain significance. Last evaluated: 2024-09-21. Review status: criteria provided, single submitter. Criteria: GeneDx Variant Classification Process June 2021. Collection method: clinical testing. Allele origin: germline. Affected: yes.
Comment: Not observed at significant frequency in large population cohorts (gnomAD); In silico analysis supports that this missense variant has a deleterious effect on protein structure/function; Has not been previously published as pathogenic or benign to our knowledge

NM_133433.4(NIPBL):c.3002C>G (p.Pro1001Arg)

Gene: NIPBL (NIPBL cohesin loading factor; plus strand). Cytogenetic location: 5p13.2.
Variant type: single nucleotide variant.
Coding change: c.3002C>G on transcript NM_133433.4 (MANE Select); coding-DNA position 3002, C replaced by G.
Protein change: p.Pro1001Arg; replaces proline 1001 with arginine.
Molecular consequence: missense variant.
Genome position (GRCh38, 1-based): chr5:36,986,182, C>G. VCF-style: chr5-36986182-C-G. GRCh37 (hg19) VCF-style: chr5-36986284-C-G.
Other names: c.3002C>G, p.Pro1001Arg (NM_015384.5); short protein forms P1001R.
Identifiers: ClinVar variation 3774642 (VCV003774642.1).
Genomic context (GRCh38, chr5:36,986,182, plus strand): 5'-AGCCGAAAGACAAAGTAGAAAAAATAGGATTAGTTGAAGATCTAAATAAAGGAGCTAAGC[C>G]TGTAGTTGTGCTACAAAAACTGTCTTTGGATGATGTTCAGAAACTTATTAAAGATAGAGA-3'
Protein context (NP_597677.2, residues 991-1011): LVEDLNKGAK[Pro1001Arg]VVVLQKLSLD